The following is an entry in ClinVar:

NM_000460.4(THPO):c.124G>A (p.Val42Ile)

Gene: THPO (thrombopoietin; minus strand). Cytogenetic location: 3q27.1.
Variant type: single nucleotide variant.
Coding change: c.124G>A on transcript NM_000460.4 (MANE Select); coding-DNA position 124, G replaced by A.
Protein change: p.Val42Ile; replaces valine 42 with isoleucine.
Molecular consequence: missense variant.
Genome position (GRCh38, 1-based): chr3:184,375,905, C>T on the plus strand (G>A on the coding strand, the complement: THPO is on the minus strand). VCF-style: chr3-184375905-C-T. GRCh37 (hg19) VCF-style: chr3-184093693-C-T.
Other names: p.Val42Ile; c.124G>A (NM_000460.3); c.124G>A, p.Val42Ile (NM_001177597.2, NM_001177598.2, NM_001289997.1 and 5 more transcripts); c.544G>A, p.Val182Ile (NM_001290003.1); short protein forms V42I, V182I.
Identifiers: ClinVar variation 2083779 (VCV002083779.6), dbSNP rs138940774, ClinGen allele CA2735055.

ClinVar aggregate classification (germline): Uncertain significance. Review status: criteria provided, multiple submitters, no conflicts (2 of 4 stars). 3 submissions from 3 submitters: Uncertain significance (3). Last evaluated 2025-11-09.

Conditions:
THPO-related disorder. Also called: THPO-related condition.

Allele frequency attached by ClinVar (database versions not stated): gnomAD exomes 0.00002; ExAC 0.00006; 1000 Genomes Project 30x 0.00016; 1000 Genomes Project 0.00020; ESP Exome Variant Server 0.00023; gnomAD 0.00023; TOPMed 0.00031.
gnomAD v4.1: 64 of 1,613,288 alleles (0.004%); highest among the groups gnomAD compares: African/African-American, 0.083%; no homozygotes.

Submissions (3):

Labcorp Genetics (formerly Invitae), Labcorp
Classification: Uncertain significance. Last evaluated: 2025-11-09. Review status: criteria provided, single submitter. Criteria: Invitae Variant Classification Sherloc (09022015). Collection method: clinical testing. Allele origin: germline.
Comment: This sequence change replaces valine, which is neutral and non-polar, with isoleucine, which is neutral and non-polar, at codon 42 of the THPO protein (p.Val42Ile). This variant is present in population databases (rs138940774, gnomAD 0.07%). This variant has not been reported in the literature in individuals affected with THPO-related conditions. ClinVar contains an entry for this variant (Variation ID: 2083779). Invitae Evidence Modeling of protein sequence and biophysical properties (such as structural, functional, and spatial information, amino acid conservation, physicochemical variation, residue mobility, and thermodynamic stability) indicates that this missense variant is not expected to disrupt THPO protein function with a negative predictive value of 80%. Algorithms developed to predict the effect of sequence changes on RNA splicing suggest that this variant may disrupt the consensus splice site. In summary, the available evidence is currently insufficient to determine the role of this variant in disease. Therefore, it has been classified as a Variant of Uncertain Significance.

PreventionGenetics, part of Exact Sciences
Classification: Uncertain significance for THPO-related condition. Last evaluated: 2025-03-25. Review status: criteria provided, single submitter. Criteria: ACMG Guidelines, 2015. Collection method: clinical testing. Allele origin: germline.
Comment: The THPO c.124G>A variant is predicted to result in the amino acid substitution p.Val42Ile. To our knowledge, this variant has not been reported in the literature. This variant is reported in 0.076% of alleles in individuals of African descent in gnomAD. Although we suspect that this variant may be benign, at this time, the clinical significance of this variant is uncertain due to the absence of conclusive functional and genetic evidence.

Mayo Clinic Laboratories, Mayo Clinic
Classification: Uncertain significance. Last evaluated: 2023-12-20. Review status: criteria provided, single submitter. Criteria: ACMG Guidelines, 2015. Collection method: clinical testing. Allele origin: germline. Observed: 1 variant allele.
Comment: BP4, PM1